The following is an entry in ClinVar:

NM_001276345.2(TNNT2):c.400A>G (p.Lys134Glu)

Gene: TNNT2 (troponin T2, cardiac type; minus strand). Cytogenetic location: 1q32.1.
Variant type: single nucleotide variant.
Coding change: c.400A>G on transcript NM_001276345.2 (MANE Select); coding-DNA position 400, A replaced by G.
Protein change: p.Lys134Glu; replaces lysine 134 with glutamic acid.
Molecular consequence: missense variant. On other transcripts: intron variant (1).
Genome position (GRCh38, 1-based): chr1:201,365,202, T>C on the plus strand (A>G on the coding strand, the complement: TNNT2 is on the minus strand). VCF-style: chr1-201365202-T-C. GRCh37 (hg19) VCF-style: chr1-201334330-T-C.
Other names: c.400A>G, p.Lys134Glu (NM_000364.4, NM_001406723.1); c.370A>G, p.Lys124Glu (NM_001001430.3, NM_001001431.3, NM_001276347.2 and 3 more transcripts); c.355A>G, p.Lys119Glu (NM_001001432.3, NM_001406728.1); c.367A>G, p.Lys123Glu (NM_001406725.1); c.291+408A>G (NM_001276346.2); short protein forms K119E, K124E, K134E, K123E.
Identifiers: ClinVar variation 2921549 (VCV002921549.4), dbSNP rs2527014186, ClinGen allele CA344206193.

ClinVar aggregate classification (germline): Uncertain significance. Review status: criteria provided, multiple submitters, no conflicts (2 of 4 stars). 2 submissions from 2 submitters: Uncertain significance (2). Last evaluated 2024-10-03.

Conditions:
Dilated cardiomyopathy 1D. Identifiers: Orphanet 154, Orphanet 54260, MedGen C1832243, MONDO:0011095, OMIM 601494.
Cardiomyopathy, familial restrictive, 3. Identifiers: Orphanet 75249, MedGen C2676271, MONDO:0012900, OMIM 612422.
Hypertrophic cardiomyopathy 2. Also called: TNNT2-Related Familial Hypertrophic Cardiomyopathy. Identifiers: MedGen C1861864, MONDO:0007266, OMIM 115195.

Submissions (2):

Labcorp Genetics (formerly Invitae), Labcorp
Classification: Uncertain significance for Cardiomyopathy, familial restrictive, 3; Hypertrophic cardiomyopathy 2; Dilated cardiomyopathy 1D. Last evaluated: 2024-10-03. Review status: criteria provided, single submitter. Criteria: Invitae Variant Classification Sherloc (09022015). Collection method: clinical testing. Allele origin: germline.
Comment: This sequence change replaces lysine, which is basic and polar, with glutamic acid, which is acidic and polar, at codon 124 of the TNNT2 protein (p.Lys124Glu). This variant is not present in population databases (gnomAD no frequency). This variant has not been reported in the literature in individuals affected with TNNT2-related conditions. Invitae Evidence Modeling of protein sequence and biophysical properties (such as structural, functional, and spatial information, amino acid conservation, physicochemical variation, residue mobility, and thermodynamic stability) indicates that this missense variant is not expected to disrupt TNNT2 protein function with a negative predictive value of 80%. This variant disrupts the p.Lys124 amino acid residue in TNNT2. Other variant(s) that disrupt this residue have been determined to be pathogenic (PMID: 15387941, 32690703). This suggests that this residue is clinically significant, and that variants that disrupt this residue are likely to be disease-causing. In summary, the available evidence is currently insufficient to determine the role of this variant in disease. Therefore, it has been classified as a Variant of Uncertain Significance.

KardioGenetik, Herz- und Diabeteszentrum NRW
Classification: Uncertain significance for Dilated cardiomyopathy 1D. Last evaluated: 2024-07-23. Review status: criteria provided, single submitter. Criteria: ACMG Guidelines, 2015. Collection method: clinical testing. Allele origin: unknown. Affected: yes. Observed: 1 variant allele.
Comment: PM5, PP3, PM2

Literature cited by the submitters: PubMed 15387941 (cited by Labcorp Genetics (formerly Invitae), Labcorp); PubMed 32690703 (cited by Labcorp Genetics (formerly Invitae), Labcorp).